The following is an entry in ClinVar:

NM_001972.4(ELANE):c.214G>C (p.Val72Leu)

Gene: ELANE (elastase, neutrophil expressed; plus strand). Cytogenetic location: 19p13.3.
Variant type: single nucleotide variant.
Coding change: c.214G>C on transcript NM_001972.4 (MANE Select); coding-DNA position 214, G replaced by C.
Protein change: p.Val72Leu; replaces valine 72 with leucine.
Molecular consequence: missense variant.
Genome position (GRCh38, 1-based): chr19:853,022, G>C. VCF-style: chr19-853022-G-C. GRCh37 (hg19) VCF-style: chr19-853022-G-C.
Other names: short protein forms V72L.
Identifiers: ClinVar variation 2188546 (VCV002188546.4), dbSNP rs387906553, ClinGen allele CA402914946.

ClinVar aggregate classification (germline): Uncertain significance (1 of 4 stars; one submission).

Conditions:
Cyclical neutropenia. Also called: Cyclic hematopoiesis; Cyclic Neutropenia. Identifiers: Orphanet 2686, MedGen C0221023, MONDO:0008090, OMIM 162800, HP:0040289. Disease mechanism: loss of function.
Neutropenia, severe congenital, 1, autosomal dominant. Identifiers: MedGen C1859966, MONDO:0042490, OMIM 202700.

Submission:

Labcorp Genetics (formerly Invitae), Labcorp
Classification: Uncertain significance for Neutropenia, severe congenital, 1, autosomal dominant; Cyclical neutropenia. Last evaluated: 2022-08-27. Review status: criteria provided, single submitter. Criteria: Invitae Variant Classification Sherloc (09022015). Collection method: clinical testing. Allele origin: germline.
Comment: This sequence change replaces valine, which is neutral and non-polar, with leucine, which is neutral and non-polar, at codon 72 of the ELANE protein (p.Val72Leu). The frequency data for this variant in the population databases is considered unreliable, as metrics indicate poor data quality at this position in the gnomAD database. This missense change has been observed in individual(s) with severe congenital neutropenia (PMID: 17436313). Algorithms developed to predict the effect of missense changes on protein structure and function output the following: SIFT: "Tolerated"; PolyPhen-2: "Benign"; Align-GVGD: "Class C0". The leucine amino acid residue is found in multiple mammalian species, which suggests that this missense change does not adversely affect protein function. Experimental studies have shown that this missense change affects ELANE function (PMID: 17436313). This variant disrupts the p.Val72 amino acid residue in ELANE. Other variant(s) that disrupt this residue have been observed in individuals with ELANE-related conditions (PMID: 22510773, 23463630), which suggests that this may be a clinically significant amino acid residue. In summary, the available evidence is currently insufficient to determine the role of this variant in disease. Therefore, it has been classified as a Variant of Uncertain Significance.

Literature cited by the submitters: PubMed 17436313; PubMed 22510773; PubMed 23463630.